The following is an entry in ClinVar:

ClinVar aggregate classification (germline): Uncertain significance (1 of 4 stars; one submission).

Allele frequency attached by ClinVar (database versions not stated): gnomAD exomes below 0.00001.
gnomAD v4.1: 1 of 1,581,296 alleles (0.000063%); highest among the groups gnomAD compares: South Asian, 0.0012%; no homozygotes.

Submission:

Labcorp Genetics (formerly Invitae), Labcorp
Classification: Uncertain significance. Last evaluated: 2021-02-03. Review status: criteria provided, single submitter. Criteria: Invitae Variant Classification Sherloc (09022015). Collection method: clinical testing. Allele origin: germline.
Comment: In summary, the available evidence is currently insufficient to determine the role of this variant in disease. Therefore, it has been classified as a Variant of Uncertain Significance. Algorithms developed to predict the effect of missense changes on protein structure and function output the following: SIFT: "Tolerated"; PolyPhen-2: "Benign"; Align-GVGD: "Class C0". The alanine amino acid residue is found in multiple mammalian species, suggesting that this missense change does not adversely affect protein function. These predictions have not been confirmed by published functional studies and their clinical significance is uncertain. This variant has not been reported in the literature in individuals with TRAF3IP1-related conditions. This variant is not present in population databases (ExAC no frequency). This sequence change replaces threonine with alanine at codon 383 of the TRAF3IP1 protein (p.Thr383Ala). The threonine residue is weakly conserved and there is a small physicochemical difference between threonine and alanine.

NM_015650.4(TRAF3IP1):c.1147A>G (p.Thr383Ala)

Gene: TRAF3IP1 (TRAF3 interacting protein 1; plus strand). Cytogenetic location: 2q37.3.
Variant type: single nucleotide variant.
Coding change: c.1147A>G on transcript NM_015650.4 (MANE Select); coding-DNA position 1147, A replaced by G.
Protein change: p.Thr383Ala; replaces threonine 383 with alanine.
Molecular consequence: missense variant. On other transcripts: intron variant (1).
Genome position (GRCh38, 1-based): chr2:238,338,445, A>G. VCF-style: chr2-238338445-A-G. GRCh37 (hg19) VCF-style: chr2-239247086-A-G.
Other names: c.1063+4410A>G (NM_001139490.1); short protein forms T383A.
Identifiers: ClinVar variation 1463940 (VCV001463940.8), dbSNP rs2106377307, ClinGen allele CA351249559.